The following is an entry in ClinVar:

ClinVar aggregate classification (germline): Uncertain significance (1 of 4 stars; one submission).

Conditions:
Hereditary spastic paraplegia 6 (SPG6). Also called: SPASTIC PARAPLEGIA 6, AUTOSOMAL DOMINANT. Identifiers: Orphanet 100988, MedGen C1838192, MONDO:0010878, OMIM 600363.

Submission:

Labcorp Genetics (formerly Invitae), Labcorp
Classification: Uncertain significance for Hereditary spastic paraplegia 6. Last evaluated: 2021-08-12. Review status: criteria provided, single submitter. Criteria: Invitae Variant Classification Sherloc (09022015). Collection method: clinical testing. Allele origin: germline.
Comment: This sequence change replaces alanine with threonine at codon 7 of the NIPA1 protein (p.Ala7Thr). The alanine residue is weakly conserved and there is a small physicochemical difference between alanine and threonine. The frequency data for this variant in the population databases is considered unreliable, as metrics indicate insufficient coverage at this position in the ExAC database. This variant has been observed in at least one individual who was not affected with NIPA1-related conditions (Invitae). Algorithms developed to predict the effect of missense changes on protein structure and function are either unavailable or do not agree on the potential impact of this missense change (SIFT: "Tolerated"; PolyPhen-2: "Not Available"; Align-GVGD: "Class C0"). In summary, the available evidence is currently insufficient to determine the role of this variant in disease. Therefore, it has been classified as a Variant of Uncertain Significance.

NM_144599.5(NIPA1):c.19G>A (p.Ala7Thr)

Genes: NIPA1 (NIPA magnesium transporter 1; plus strand), LOC130056709 (ATAC-STARR-seq lymphoblastoid silent region 6259; plus strand). Cytogenetic location: 15q11.2.
Variant type: single nucleotide variant.
Coding change: c.19G>A on transcript NM_144599.5 (MANE Select); coding-DNA position 19, G replaced by A.
Protein change: p.Ala7Thr; replaces alanine 7 with threonine.
Molecular consequence: missense variant. On other transcripts: intron variant (1).
Genome position (GRCh38, 1-based): chr15:22,786,675, G>A. VCF-style: chr15-22786675-G-A. GRCh37 (hg19) VCF-style: chr15-23086393-C-T.
Other names: c.-48+427G>A (NM_001142275.1); short protein forms A7T.
Identifiers: ClinVar variation 1483395 (VCV001483395.8), dbSNP rs1894707917, ClinGen allele CA391298197.
Genomic context (GRCh38, chr15:22,786,675, plus strand): 5'-CGCGGCGCGCAGGCGCAGGCTCGGAGGGCGGGCGCGGGCGGAATGGGGACTGCAGCTGCG[G>A]CAGCGGCGGCGGCGGCGGCGGCGGCGGCCGGGGAGGGGGCGCGTAGCCCGAGCCCCGCCG-3'
Protein context (NP_653200.2, residues 1-17): MGTAAA[Ala7Thr]AAAAAAAAAG